The following is an entry in ClinVar:

NM_001040142.2(SCN2A):c.1388C>T (p.Ala463Val)

Gene: SCN2A (sodium voltage-gated channel alpha subunit 2; plus strand). Cytogenetic location: 2q24.3.
Variant type: single nucleotide variant.
Coding change: c.1388C>T on transcript NM_001040142.2 (MANE Select); coding-DNA position 1388, C replaced by T.
Protein change: p.Ala463Val; replaces alanine 463 with valine.
Molecular consequence: missense variant.
Genome position (GRCh38, 1-based): chr2:165,315,475, C>T. VCF-style: chr2-165315475-C-T. GRCh37 (hg19) VCF-style: chr2-166171985-C-T.
Other names: c.1388C>T, p.Ala463Val (NM_001040143.2, NM_001371246.1, NM_001371247.1 and 1 more transcripts); short protein forms A463V.
Identifiers: ClinVar variation 3748706 (VCV003748706.2).
Genomic context (GRCh38, chr2:165,315,475, plus strand): 5'-ATGATAATTACTTTTTAAGTTTATATGCAACTTCCACATACTTTGCGCCCTTCTAGGCGG[C>T]AGCTGCAGCCGCATCTGCTGAATCAAGAGACTTCAGTGGTGCTGGTGGGATAGGAGTTTT-3'
Protein context (NP_001035232.1, residues 453-473): LKKQQEEAQA[Ala463Val]AAAASAESRD

ClinVar aggregate classification (germline): Uncertain significance (1 of 4 stars; one submission).

Conditions:
Seizures, benign familial infantile, 3 (BFIS3). Also called: Familial neonatal seizures; CONVULSIONS, BENIGN FAMILIAL INFANTILE, 3. Identifiers: Orphanet 140927, Orphanet 306, MedGen C1843140, MONDO:0011904, OMIM 607745.
Developmental and epileptic encephalopathy, 11 (DEE11). Also called: Early infantile epileptic encephalopathy 11. Identifiers: Orphanet 1934, MedGen C3150987, MONDO:0013388, OMIM 613721.

Submission:

Labcorp Genetics (formerly Invitae), Labcorp
Classification: Uncertain significance for Seizures, benign familial infantile, 3; Developmental and epileptic encephalopathy, 11. Last evaluated: 2025-11-27. Review status: criteria provided, single submitter. Criteria: Invitae Variant Classification Sherloc (09022015). Collection method: clinical testing. Allele origin: germline.
Comment: This sequence change replaces alanine, which is neutral and non-polar, with valine, which is neutral and non-polar, at codon 463 of the SCN2A protein (p.Ala463Val). This variant is not present in population databases (gnomAD no frequency). This variant has not been reported in the literature in individuals affected with SCN2A-related conditions. ClinVar contains an entry for this variant (Variation ID: 3748706). Invitae Evidence Modeling of protein sequence and biophysical properties (such as structural, functional, and spatial information, amino acid conservation, physicochemical variation, residue mobility, and thermodynamic stability) indicates that this missense variant is not expected to disrupt SCN2A protein function with a negative predictive value of 95%. In summary, the available evidence is currently insufficient to determine the role of this variant in disease. Therefore, it has been classified as a Variant of Uncertain Significance.